The following is an entry in ClinVar:

ClinVar aggregate classification (germline): Uncertain significance. Review status: criteria provided, multiple submitters, no conflicts (2 of 4 stars). 2 submissions from 2 submitters: Uncertain significance (2). Last evaluated 2023-02-25.

Conditions:
Hereditary cancer-predisposing syndrome. Also called: Neoplastic Syndromes, Hereditary; Tumor predisposition; Hereditary Cancer Syndrome; Hereditary neoplastic syndrome. Identifiers: Orphanet 140162, MedGen C0027672, MeSH D009386, MONDO:0015356.

Allele frequency attached by ClinVar (database versions not stated): gnomAD exomes below 0.00001.
gnomAD v4.1: 3 of 1,614,220 alleles (0.00019%); highest among the groups gnomAD compares: Non-Finnish European, 0.00025%; no homozygotes.

Submissions (2):

Ambry Genetics
Classification: Uncertain significance for Hereditary cancer-predisposing syndrome. Last evaluated: 2023-02-25. Review status: criteria provided, single submitter. Criteria: Ambry Variant Classification Scheme 2023. Collection method: clinical testing. Allele origin: germline.
Comment: The p.E926V variant (also known as c.2777A>T), located in coding exon 20 of the MSH3 gene, results from an A to T substitution at nucleotide position 2777. The glutamic acid at codon 926 is replaced by valine, an amino acid with dissimilar properties. This amino acid position is conserved. In addition, the in silico prediction for this alteration is inconclusive. Since supporting evidence is limited at this time, the clinical significance of this alteration remains unclear.

Labcorp Genetics (formerly Invitae), Labcorp
Classification: Uncertain significance. Last evaluated: 2022-03-27. Review status: criteria provided, single submitter. Criteria: Invitae Variant Classification Sherloc (09022015). Collection method: clinical testing. Allele origin: germline.
Comment: This variant has not been reported in the literature in individuals affected with MSH3-related conditions. This variant is not present in population databases (gnomAD no frequency). This sequence change replaces glutamic acid, which is acidic and polar, with valine, which is neutral and non-polar, at codon 926 of the MSH3 protein (p.Glu926Val). ClinVar contains an entry for this variant (Variation ID: 640922). In summary, the available evidence is currently insufficient to determine the role of this variant in disease. Therefore, it has been classified as a Variant of Uncertain Significance. Algorithms developed to predict the effect of missense changes on protein structure and function are either unavailable or do not agree on the potential impact of this missense change (SIFT: "Deleterious"; PolyPhen-2: "Possibly Damaging"; Align-GVGD: "Class C0").

NM_002439.5(MSH3):c.2777A>T (p.Glu926Val)

Gene: MSH3 (mutS homolog 3; plus strand). Cytogenetic location: 5q14.1.
Variant type: single nucleotide variant.
Coding change: c.2777A>T on transcript NM_002439.5 (MANE Select); coding-DNA position 2777, A replaced by T.
Protein change: p.Glu926Val; replaces glutamic acid 926 with valine.
Molecular consequence: missense variant.
Genome position (GRCh38, 1-based): chr5:80,813,705, A>T. VCF-style: chr5-80813705-A-T. GRCh37 (hg19) VCF-style: chr5-80109524-A-T.
Other names: c.2777A>T (NM_002439.3); short protein forms E926V.
Identifiers: ClinVar variation 640922 (VCV000640922.9), dbSNP rs1580066566, ClinGen allele CA360274054.